The following is an entry in ClinVar:

NM_001113378.2(FANCI):c.601A>G (p.Met201Val)

Gene: FANCI (FA complementation group I; plus strand). Cytogenetic location: 15q26.1.
Variant type: single nucleotide variant.
Coding change: c.601A>G on transcript NM_001113378.2 (MANE Select); coding-DNA position 601, A replaced by G.
Protein change: p.Met201Val; replaces methionine 201 with valine.
Molecular consequence: missense variant.
Genome position (GRCh38, 1-based): chr15:89,263,958, A>G. VCF-style: chr15-89263958-A-G. GRCh37 (hg19) VCF-style: chr15-89807189-A-G.
Other names: c.322A>G, p.Met108Val (NM_001376910.1); c.601A>G, p.Met201Val (NM_001376911.1, NM_018193.3); short protein forms M201V, M108V.
Identifiers: ClinVar variation 456223 (VCV000456223.16), dbSNP rs774564150, ClinGen allele CA7722697.

ClinVar aggregate classification (germline): Uncertain significance. Review status: criteria provided, multiple submitters, no conflicts (2 of 4 stars). 4 submissions from 4 submitters: Uncertain significance (4). Last evaluated 2022-09-13.

Conditions:
Inborn genetic diseases. Identifiers: MedGen C0950123, MeSH D030342.
Fanconi anemia (FA). Also called: Fanconi's anemia. Identifiers: Orphanet 84, MedGen C0015625, MeSH D005199, MONDO:0019391.
Fanconi anemia complementation group I (FANCI). Also called: FANCI-Related Fanconi Anemia. Identifiers: Orphanet 84, MedGen C1836861, MONDO:0012186, OMIM 609053.

Allele frequency attached by ClinVar (database versions not stated): gnomAD 0.00003; TOPMed 0.00004; ExAC 0.00006.
gnomAD v4.1: 30 of 1,613,986 alleles (0.0019%); highest among the groups gnomAD compares: Middle Eastern, 0.033%; no homozygotes.

Submissions (4):

Labcorp Genetics (formerly Invitae), Labcorp
Classification: Uncertain significance for Fanconi anemia. Last evaluated: 2022-09-13. Review status: criteria provided, single submitter. Criteria: Invitae Variant Classification Sherloc (09022015). Collection method: clinical testing. Allele origin: germline.
Comment: This sequence change replaces methionine, which is neutral and non-polar, with valine, which is neutral and non-polar, at codon 201 of the FANCI protein (p.Met201Val). This variant is present in population databases (rs774564150, gnomAD 0.008%). This variant has not been reported in the literature in individuals affected with FANCI-related conditions. ClinVar contains an entry for this variant (Variation ID: 456223). Algorithms developed to predict the effect of missense changes on protein structure and function output the following: SIFT: "Tolerated"; PolyPhen-2: "Benign"; Align-GVGD: "Class C0". The valine amino acid residue is found in multiple mammalian species, which suggests that this missense change does not adversely affect protein function. In summary, the available evidence is currently insufficient to determine the role of this variant in disease. Therefore, it has been classified as a Variant of Uncertain Significance.

Fulgent Genetics
Classification: Uncertain significance for Fanconi anemia complementation group I. Last evaluated: 2021-11-30. Review status: criteria provided, single submitter. Criteria: ACMG Guidelines, 2015. Collection method: clinical testing. Allele origin: unknown.

Ambry Genetics
Classification: Uncertain significance for Inborn genetic diseases. Last evaluated: 2021-09-27. Review status: criteria provided, single submitter. Criteria: Ambry Variant Classification Scheme 2023. Collection method: clinical testing. Allele origin: germline.

Illumina Laboratory Services, Illumina
Classification: Uncertain significance for Fanconi anemia complementation group I. Last evaluated: 2018-01-12. Review status: criteria provided, single submitter. Criteria: ICSL Variant Classification Criteria 13 December 2019. Collection method: clinical testing. Allele origin: germline.